The following is an entry in ClinVar:

ClinVar aggregate classification (germline): Uncertain significance (1 of 4 stars; one submission).

Submission:

GeneDx
Classification: Uncertain significance. Last evaluated: 2022-11-22. Review status: criteria provided, single submitter. Criteria: GeneDx Variant Classification Process June 2021. Collection method: clinical testing. Allele origin: germline. Affected: yes.
Comment: Not observed at significant frequency in large population cohorts (gnomAD); In silico analysis supports that this missense variant has a deleterious effect on protein structure/function; Has not been previously published as pathogenic or benign to our knowledge

NM_001257291.2(SLC9A7):c.1252C>T (p.His418Tyr)

Gene: SLC9A7 (solute carrier family 9 member A7; minus strand). Cytogenetic location: Xp11.3.
Variant type: single nucleotide variant.
Coding change: c.1252C>T on transcript NM_001257291.2 (MANE Select); coding-DNA position 1252, C replaced by T.
Protein change: p.His418Tyr; replaces histidine 418 with tyrosine.
Molecular consequence: missense variant.
Genome position (GRCh38, 1-based): chrX:46,651,208, G>A on the plus strand (C>T on the coding strand, the complement: SLC9A7 is on the minus strand). VCF-style: chrX-46651208-G-A. GRCh37 (hg19) VCF-style: chrX-46510643-G-A.
Other names: c.1249C>T, p.His417Tyr (NM_032591.3); short protein forms H417Y, H418Y.
Identifiers: ClinVar variation 2502624 (VCV002502624.1), dbSNP rs2519484292, ClinGen allele CA413035605.